The following is an entry in ClinVar:

NM_001382391.1(CSPP1):c.-128C>T

Gene: CSPP1 (centrosome and spindle pole associated protein 1; plus strand). Cytogenetic location: 8q13.1.
Variant type: single nucleotide variant.
Coding change: c.-128C>T on transcript NM_001382391.1 (MANE Select); 128 bases upstream of the start codon, C replaced by T.
Molecular consequence: 5 prime UTR variant. On other transcripts: missense variant (3).
Genome position (GRCh38, 1-based): chr8:67,064,421, C>T. VCF-style: chr8-67064421-C-T. GRCh37 (hg19) VCF-style: chr8-67976656-C-T.
Other names: c.-128C>T (NM_001363131.2, NM_001363132.2, NM_001363133.2); c.23C>T, p.Ala8Val (NM_001364869.1, NM_001364870.1, NM_024790.7); short protein forms A8V.
Identifiers: ClinVar variation 1020179 (VCV001020179.10), dbSNP rs775895663, ClinGen allele CA4770044.

ClinVar aggregate classification (germline): Uncertain significance. Review status: criteria provided, multiple submitters, no conflicts (2 of 4 stars). 4 submissions from 4 submitters: Uncertain significance (3). 1 of the submissions does not count toward it. Last evaluated 2025-08-29.

Conditions:
Joubert syndrome 21 (JBTS21). Identifiers: MedGen C3810212, MONDO:0014288, OMIM 615636.
CSPP1-related disorder. Also called: CSPP1-related condition.
Inborn genetic diseases. Identifiers: MedGen C0950123, MeSH D030342.

Allele frequency attached by ClinVar (database versions not stated): gnomAD below 0.00001 and 0.00001; ExAC 0.00008; gnomAD exomes 0.00008.
gnomAD v4.1: 75 of 1,613,710 alleles (0.0046%); highest among the groups gnomAD compares: South Asian, 0.075%; no homozygotes.

Submissions (4):

Ambry Genetics
Classification: Uncertain significance for Inborn genetic diseases. Last evaluated: 2025-08-29. Review status: criteria provided, single submitter. Criteria: Ambry Variant Classification Scheme 2023. Collection method: clinical testing. Allele origin: germline.

Labcorp Genetics (formerly Invitae), Labcorp
Classification: Uncertain significance for Joubert syndrome 21. Last evaluated: 2022-07-26. Review status: criteria provided, single submitter. Criteria: Invitae Variant Classification Sherloc (09022015). Collection method: clinical testing. Allele origin: germline.
Comment: This sequence change replaces alanine, which is neutral and non-polar, with valine, which is neutral and non-polar, at codon 8 of the CSPP1 protein (p.Ala8Val). This variant is present in population databases (rs775895663, gnomAD 0.07%). This variant has not been reported in the literature in individuals affected with CSPP1-related conditions. ClinVar contains an entry for this variant (Variation ID: 1020179). Algorithms developed to predict the effect of missense changes on protein structure and function output the following: SIFT: "Tolerated"; PolyPhen-2: "Benign"; Align-GVGD: "Class C0". The valine amino acid residue is found in multiple mammalian species, which suggests that this missense change does not adversely affect protein function. In summary, the available evidence is currently insufficient to determine the role of this variant in disease. Therefore, it has been classified as a Variant of Uncertain Significance.

Revvity Omics, Revvity
Classification: Uncertain significance for Joubert syndrome 21. Last evaluated: 2020-12-09. Review status: criteria provided, single submitter. Criteria: ACMG Guidelines, 2015. Collection method: clinical testing. Allele origin: germline.

PreventionGenetics, part of Exact Sciences
Classification: Uncertain significance for CSPP1-related condition. Last evaluated: 2024-03-15. Review status: no assertion criteria provided. Collection method: clinical testing. Allele origin: germline. Not counted in ClinVar's aggregate classification.
Comment: The CSPP1 c.23C>T variant is predicted to result in the amino acid substitution p.Ala8Val. To our knowledge, this variant has not been reported in the literature. This variant is reported in 0.065% of alleles in individuals of South Asian descent in gnomAD. Although we suspect that this variant may be benign, at this time, the clinical significance of this variant is uncertain due to the absence of conclusive functional and genetic evidence.